The following is an entry in ClinVar:

NM_000937.5(POLR2A):c.481G>A (p.Asp161Asn)

Gene: POLR2A (RNA polymerase II subunit A; plus strand). Cytogenetic location: 17p13.1.
Variant type: single nucleotide variant.
Coding change: c.481G>A on transcript NM_000937.5 (MANE Select); coding-DNA position 481, G replaced by A.
Protein change: p.Asp161Asn; replaces aspartic acid 161 with asparagine.
Molecular consequence: missense variant.
Genome position (GRCh38, 1-based): chr17:7,496,557, G>A. VCF-style: chr17-7496557-G-A. GRCh37 (hg19) VCF-style: chr17-7399876-G-A.
Other names: short protein forms D161N.
Identifiers: ClinVar variation 1801863 (VCV001801863.3), dbSNP rs2508105235, ClinGen allele CA397859604.
Genomic context (GRCh38, chr17:7,496,557, plus strand): 5'-CTCACACATGTCTACGACCTTTGCAAGGGCAAAAACATATGCGAGGGTGGGGAGGAGATG[G>A]ACAACAAGTTCGGTGTGGAACAACCTGAGGGTGACGAGGATCTGACCAAAGAAAAGGTGG-3'
Protein context (NP_000928.1, residues 151-171): KNICEGGEEM[Asp161Asn]NKFGVEQPEG

ClinVar aggregate classification (germline): Uncertain significance. Review status: criteria provided, multiple submitters, no conflicts (2 of 4 stars). 2 submissions from 2 submitters: Uncertain significance (2). Last evaluated 2023-09-14.

Conditions:
Inborn genetic diseases. Identifiers: MedGen C0950123, MeSH D030342.

Allele frequency attached by ClinVar (database versions not stated): gnomAD exomes below 0.00001.

Submissions (2):

Ambry Genetics
Classification: Uncertain significance for Inborn genetic diseases. Last evaluated: 2023-09-14. Review status: criteria provided, single submitter. Criteria: Ambry Variant Classification Scheme 2023. Collection method: clinical testing. Allele origin: germline.

GeneDx
Classification: Uncertain significance. Last evaluated: 2022-06-02. Review status: criteria provided, single submitter. Criteria: GeneDx Variant Classification Process June 2021. Collection method: clinical testing. Allele origin: germline. Affected: yes.
Comment: Not observed at significant frequency in large population cohorts (gnomAD); In silico analysis supports that this missense variant does not alter protein structure/function; Has not been previously published as pathogenic or benign to our knowledge